The following is an entry in ClinVar:

NM_000069.3(CACNA1S):c.5574C>T (p.Leu1858=)

Gene: CACNA1S (calcium voltage-gated channel subunit alpha1 S; minus strand). Cytogenetic location: 1q32.1.
Variant type: single nucleotide variant.
Coding change: c.5574C>T on transcript NM_000069.3 (MANE Select); coding-DNA position 5574, C replaced by T.
Protein change: p.Leu1858=; no amino-acid change (leucine 1858 retained).
Molecular consequence: synonymous variant.
Genome position (GRCh38, 1-based): chr1:201,039,879, G>A on the plus strand (C>T on the coding strand, the complement: CACNA1S is on the minus strand). VCF-style: chr1-201039879-G-A. GRCh37 (hg19) VCF-style: chr1-201009007-G-A.
Identifiers: ClinVar variation 254851 (VCV000254851.13), dbSNP rs756090938, ClinGen allele CA083903.
Genomic context (GRCh38, chr1:201,039,879, plus strand): 5'-GCTGTGTGGGCATCACAGCCTTGGAGGAATAAGGGTCTCCTGGGAGCCCTGGTGTTGGTC[G>A]AGGCTGCCCAGGGAGGACCCGAGGTTCAGGCATCCCAGGGAGCTGGCCATGCCCTCTGGG-3'
Protein context (NP_000060.2, residues 1848-1868): CLNLGSSLGS[Leu1858=]DQHQGSQETL

ClinVar aggregate classification (germline): Likely benign. Review status: criteria provided, multiple submitters, no conflicts (2 of 4 stars). 8 submissions from 5 submitters: Likely benign (8). Last evaluated 2023-06-08.

Conditions:
Malignant hyperthermia, susceptibility to, 5 (MHS5). Also called: CACNA1S-Related Malignant Hyperthermia Susceptibility. Identifiers: Orphanet 423, MedGen C1866077, MONDO:0011163, OMIM 601887.
Hypokalemic periodic paralysis, type 1. Also called: HypoPP; Hypokalemic Periodic Paralysis Type 1 (AD). Identifiers: Orphanet 681, MedGen C3714580, MONDO:0042979, OMIM 170400.
Congenital myopathy 18. Also called: DIHYDROPYRIDINE RECEPTOR CONGENITAL MYOPATHY; DHPR CONGENITAL MYOPATHY; Myopathy, congenital, due to dihydropyridine receptor defect. Identifiers: MedGen C5830283, MONDO:0859514, OMIM 620246.
Thyrotoxic periodic paralysis, susceptibility to, 1 (TTPP1). Identifiers: Orphanet 79102, MedGen C2749982, MONDO:0008570, OMIM 188580.

Allele frequency attached by ClinVar (database versions not stated): gnomAD exomes below 0.00001; TOPMed below 0.00001; ExAC 0.00001.
gnomAD v4.1: 16 of 1,611,574 alleles (0.00099%); highest among the groups gnomAD compares: Non-Finnish European, 0.0013%; no homozygotes.

Submissions (8):

All of Us Research Program, National Institutes of Health
Classification: Likely benign for Malignant hyperthermia, susceptibility to, 5. Last evaluated: 2023-06-08. Review status: criteria provided, single submitter. Criteria: ACMG Guidelines, 2015. Collection method: clinical testing. Allele origin: germline. Inheritance: Autosomal dominant inheritance. Observed: 3 variant alleles, 3 heterozygotes.
Comment: This variant is located in the CACNA1S protein. To our knowledge, functional studies have not been reported for this variant. This variant has not been reported in individuals affected with CACNA1S-related disorders in the literature. This variant has been identified in 1/249722 chromosomes in the general population by the Genome Aggregation Database (gnomAD). The available evidence is insufficient to determine the role of this variant in disease conclusively. Therefore, this variant is classified as a Variant of Uncertain Significance.

This study involves interpretation of variants in research participants for the purpose of population health screening. Participant phenotype was not available at the time of variant classification. Additional details can be found in publication PMID: 35346344, PMCID: PMC8962531

Color Diagnostics, LLC DBA Color Health
Classification: Likely benign for Malignant hyperthermia, susceptibility to, 5. Last evaluated: 2023-05-08. Review status: criteria provided, single submitter. Criteria: ACMG Guidelines, 2015. Collection method: clinical testing. Allele origin: germline.

Genome-Nilou Lab
Classification: Likely benign for Malignant hyperthermia, susceptibility to, 5. Last evaluated: 2023-04-11. Review status: criteria provided, single submitter. Criteria: ACMG Guidelines, 2015. Collection method: clinical testing. Allele origin: germline. Affected: no.

Genome-Nilou Lab
Classification: Likely benign for Thyrotoxic periodic paralysis, susceptibility to, 1. Last evaluated: 2023-04-11. Review status: criteria provided, single submitter. Criteria: ACMG Guidelines, 2015. Collection method: clinical testing. Allele origin: germline. Affected: no.

Genome-Nilou Lab
Classification: Likely benign for Congenital myopathy 18. Last evaluated: 2023-04-11. Review status: criteria provided, single submitter. Criteria: ACMG Guidelines, 2015. Collection method: clinical testing. Allele origin: germline. Affected: no.

Genome-Nilou Lab
Classification: Likely benign for Hypokalemic periodic paralysis, type 1. Last evaluated: 2023-04-11. Review status: criteria provided, single submitter. Criteria: ACMG Guidelines, 2015. Collection method: clinical testing. Allele origin: germline. Affected: no.

Labcorp Genetics (formerly Invitae), Labcorp
Classification: Likely benign for Hypokalemic periodic paralysis, type 1; Malignant hyperthermia, susceptibility to, 5. Last evaluated: 2023-02-08. Review status: criteria provided, single submitter. Criteria: Invitae Variant Classification Sherloc (09022015). Collection method: clinical testing. Allele origin: germline.

PreventionGenetics, part of Exact Sciences
Classification: Likely benign. Review status: criteria provided, single submitter. Criteria: ACMG Guidelines, 2015. Collection method: clinical testing. Allele origin: germline.